The following is an entry in ClinVar:

NM_001270.4(CHD1):c.4850C>T (p.Ser1617Leu)

Gene: CHD1 (chromodomain helicase DNA binding protein 1; minus strand). Cytogenetic location: 5q15.
Variant type: single nucleotide variant.
Coding change: c.4850C>T on transcript NM_001270.4 (MANE Select); coding-DNA position 4850, C replaced by T.
Protein change: p.Ser1617Leu; replaces serine 1617 with leucine.
Molecular consequence: missense variant. On other transcripts: non-coding transcript variant (2).
Genome position (GRCh38, 1-based): chr5:98,856,663, G>A on the plus strand (C>T on the coding strand, the complement: CHD1 is on the minus strand). VCF-style: chr5-98856663-G-A. GRCh37 (hg19) VCF-style: chr5-98192367-G-A.
Other names: c.5114C>T, p.Ser1705Leu (NM_001364113.3); c.4850C>T, p.Ser1617Leu (NM_001376194.2); short protein forms S1617L, S1705L.
Identifiers: ClinVar variation 2504896 (VCV002504896.4), dbSNP rs2112436440, ClinGen allele CA360515364.

ClinVar aggregate classification (germline): Uncertain significance. Review status: criteria provided, multiple submitters, no conflicts (2 of 4 stars). 2 submissions from 2 submitters: Uncertain significance (2). Last evaluated 2025-10-28.

Submissions (2):

Women's Health and Genetics/Laboratory Corporation of America, LabCorp
Classification: Uncertain significance. Last evaluated: 2025-10-28. Review status: criteria provided, single submitter. Criteria: LabCorp Variant Classification Summary - May 2015. Collection method: clinical testing. Allele origin: germline.
Comment: Variant summary: CHD1 c.4850C>T (p.Ser1617Leu) results in a non-conservative amino acid change in the encoded protein sequence. Algorithms developed to predict the effect of missense changes on protein structure and function are either unavailable or do not agree on the potential impact of this missense change. The variant was absent in 251040 control chromosomes. The available data on variant occurrences in the general population are insufficient to allow any conclusion about variant significance. To our knowledge, no occurrence of c.4850C>T in individuals affected with CHD1-related conditions and no experimental evidence demonstrating its impact on protein function have been reported. ClinVar contains an entry for this variant (Variation ID: 2504896). Based on the evidence outlined above, the variant was classified as uncertain significance.

GeneDx
Classification: Uncertain significance. Last evaluated: 2024-07-30. Review status: criteria provided, single submitter. Criteria: GeneDx Variant Classification Process June 2021. Collection method: clinical testing. Allele origin: germline.
Comment: Not observed at significant frequency in large population cohorts (gnomAD); In silico analysis supports that this missense variant does not alter protein structure/function; Has not been previously published as pathogenic or benign to our knowledge